The following is an entry in ClinVar:

ClinVar aggregate classification (germline): Pathogenic/Likely pathogenic. Review status: criteria provided, multiple submitters, no conflicts (2 of 4 stars). 2 submissions from 2 submitters: Pathogenic (1); Likely pathogenic (1). Last evaluated 2024-02-18.

Conditions:
Lysinuric protein intolerance (LPI). Identifiers: Orphanet 470, MedGen C0268647, MONDO:0009109, OMIM 222700.

Submissions (2):

Labcorp Genetics (formerly Invitae), Labcorp
Classification: Pathogenic for Lysinuric protein intolerance. Last evaluated: 2024-02-18. Review status: criteria provided, single submitter. Criteria: Invitae Variant Classification Sherloc (09022015). Collection method: clinical testing. Allele origin: germline.
Comment: This sequence change creates a premature translational stop signal (p.Ser443Glnfs*26) in the SLC7A7 gene. While this is not anticipated to result in nonsense mediated decay, it is expected to disrupt the last 69 amino acid(s) of the SLC7A7 protein. This variant is not present in population databases (gnomAD no frequency). This variant has not been reported in the literature in individuals affected with SLC7A7-related conditions. This variant disrupts a region of the SLC7A7 protein in which other variant(s) (p.Cys487Leufs*32) have been determined to be pathogenic (PMID: 10655553; Invitae). This suggests that this is a clinically significant region of the protein, and that variants that disrupt it are likely to be disease-causing. For these reasons, this variant has been classified as Pathogenic.

Baylor Genetics
Classification: Likely pathogenic for Lysinuric protein intolerance. Last evaluated: 2023-11-19. Review status: criteria provided, single submitter. Criteria: ACMG Guidelines, 2015. Collection method: clinical testing. Allele origin: unknown.

Literature cited by the submitters: PubMed 10655553 (cited by Labcorp Genetics (formerly Invitae), Labcorp).

NM_003982.4(SLC7A7):c.1322_1325dup (p.Ser443fs)

Gene: SLC7A7 (solute carrier family 7 member 7; minus strand). Cytogenetic location: 14q11.2.
Variant type: Duplication.
Coding change: c.1322_1325dup on transcript NM_003982.4 (MANE Select); coding-DNA positions 1322 to 1325, 4 bases duplicated (TCAA; older notation c.1322_1325dupTCAA).
Protein change: p.Ser443fs; shifts the reading frame from serine 443.
Molecular consequence: frameshift variant.
Genome position (GRCh38, 1-based): chr14:22,774,037-22,774,040, TTGA duplicated on the plus strand (TCAA on the coding strand, the reverse complement: SLC7A7 is on the minus strand); duplicating any 4 consecutive bases within chr14:22,774,037-22,774,041 gives the same sequence; the c. name uses the placement nearest the transcript's 3' end. VCF-style (leftmost placement, unchanged base first): chr14-22774036-G-GTTGA. GRCh37 (hg19) VCF-style: chr14-23243245-G-GTTGA.
Other names: c.1322_1325dup, p.Ser443fs (NM_001126105.3, NM_001126106.4); short protein forms S443fs.
Identifiers: ClinVar variation 3240519 (VCV003240519.3), dbSNP rs2501833115.
Genomic context (GRCh38, chr14:22,774,036, plus strand): 5'-TCTGATGATGAGGAAGTAAAAGGGCAGGCCTGAGAGGGCAATGGCAATGCCGATGAGGGA[G>GTTGA]TTGATAGTATCACTGTAAAGTGGAACAGCCACCAGGAAGATGGTGCAGAGGCAGAAGACA-3'